The following is an entry in ClinVar:

ClinVar aggregate classification (germline): Uncertain significance. Review status: criteria provided, multiple submitters, no conflicts (2 of 4 stars). 2 submissions from 2 submitters: Uncertain significance (2). Last evaluated 2025-11-26.

Conditions:
Neurodegeneration. Also called: Neurodegenerative disease; Neurodegenerative illness; neurodegenerative disorder. Identifiers: MedGen C0027746, MONDO:0005559, HP:0002180.
Inborn genetic diseases. Identifiers: MedGen C0950123, MeSH D030342.

Submissions (2):

Dasa
Classification: Uncertain significance for neurodegenerative disease. Last evaluated: 2025-11-26. Review status: criteria provided, single submitter. Criteria: DASA Assertion Criteria. Collection method: clinical testing. Allele origin: germline.
Comment: NM_024496.4(IRF2BPL):c.1786C>T (p.Pro596Ser) is a missense variant that results in the substitution of proline with serine. This variant is rare in population databases. Computational prediction algorithms are consistent with a benign effect. The currently available literature and clinical evidence are not sufficient to establish a definitive association between this variant and the reported condition. Therefore, this variant is classified as a variant of uncertain significance.

Ambry Genetics
Classification: Uncertain significance for Inborn genetic diseases. Last evaluated: 2024-09-26. Review status: criteria provided, single submitter. Criteria: Ambry Variant Classification Scheme 2023. Collection method: clinical testing. Allele origin: germline.

NM_024496.4(IRF2BPL):c.1786C>T (p.Pro596Ser)

Gene: IRF2BPL (interferon regulatory factor 2 binding protein like; minus strand). Cytogenetic location: 14q24.3.
Variant type: single nucleotide variant.
Coding change: c.1786C>T on transcript NM_024496.4 (MANE Select); coding-DNA position 1786, C replaced by T.
Protein change: p.Pro596Ser; replaces proline 596 with serine.
Molecular consequence: missense variant.
Genome position (GRCh38, 1-based): chr14:77,026,007, G>A on the plus strand (C>T on the coding strand, the complement: IRF2BPL is on the minus strand). VCF-style: chr14-77026007-G-A. GRCh37 (hg19) VCF-style: chr14-77492350-G-A.
Other names: short protein forms P596S.
Identifiers: ClinVar variation 3530008 (VCV003530008.3).